The following is an entry in ClinVar:

ClinVar aggregate classification (germline): Uncertain significance (1 of 4 stars; one submission).

Submission:

GeneDx
Classification: Uncertain significance. Last evaluated: 2026-02-09. Review status: criteria provided, single submitter. Criteria: GeneDx Variant Classification Process June 2021. Collection method: clinical testing. Allele origin: germline.
Comment: Not observed at significant frequency in large population cohorts (gnomAD); In silico analysis supports that this missense variant has a deleterious effect on protein structure/function; Has not been previously published as pathogenic or benign to our knowledge; Reported using an alternate transcript of the gene

NM_001288739.2(DNM1):c.1259T>C (p.Leu420Pro)

Gene: DNM1 (dynamin 1; plus strand). Cytogenetic location: 9q34.11.
Variant type: single nucleotide variant.
Coding change: c.1259T>C on transcript NM_001288739.2 (MANE Plus Clinical); coding-DNA position 1259, T replaced by C.
Protein change: p.Leu420Pro; replaces leucine 420 with proline.
Molecular consequence: missense variant. On other transcripts: intron variant (3).
Genome position (GRCh38, 1-based): chr9:128,226,097, T>C. VCF-style: chr9-128226097-T-C. GRCh37 (hg19) VCF-style: chr9-130988376-T-C.
Other names: c.1259T>C, p.Leu420Pro (NM_001288737.2, NM_001288738.2); c.1335+1708T>C (NM_001005336.3, NM_001374269.1, NM_004408.4); short protein forms L420P.
Identifiers: ClinVar variation 4976470 (VCV004976470.1).
Genomic context (GRCh38, chr9:128,226,097, plus strand): 5'-CGGGCCTCTTCACACCTGACCTCGCTTTTGAAGCCACAGTGAAAAAGCAGGTGCAGAAGC[T>C]CAAAGAGCCCAGTATCAAGTGTGTGGATATGGTAGTCAGTGAGCTCACAGCCACCATCAG-3'
Protein context (NP_001275668.1, residues 410-430): EATVKKQVQK[Leu420Pro]KEPSIKCVDM